The following is an entry in ClinVar:

ClinVar aggregate classification (germline): Likely benign. Review status: reviewed by expert panel (3 of 4 stars). 3 submissions from 3 submitters: Likely benign (1). 2 of the submissions do not count toward it. Last evaluated 2024-08-28.

Conditions:
Hereditary thrombocytopenia and hematologic cancer predisposition syndrome. Identifiers: Orphanet 71290, MedGen CN281654, MONDO:0011071.
Inborn genetic diseases. Identifiers: MedGen C0950123, MeSH D030342.
Hereditary thrombocytopenia and hematological cancer predisposition syndrome associated with RUNX1. Also called: PLATELET DISORDER, ASPIRIN-LIKE; RUNX1 Familial Platelet Disorder with Associated Myeloid Malignancies; Familial Platelet Disorder with Propensity to Acute Myelogenous Leukemia; Familial thrombocytopenia with propensity to acute myelogenous leukemia. Identifiers: Orphanet 71290, MedGen C1832388, MeSH C563324, MONDO:0100083, OMIM 601399.

Allele frequency attached by ClinVar (database versions not stated): gnomAD exomes below 0.00001.
gnomAD v4.1: 1 of 1,596,574 alleles (0.000063%); highest among the groups gnomAD compares: Non-Finnish European, 0.000085%; no homozygotes.

Submissions (3):

ClinGen Myeloid Malignancy Variant Curation Expert Panel
Classification: Likely benign for Hereditary thrombocytopenia and hematologic cancer predisposition syndrome. Last evaluated: 2024-08-28. Review status: reviewed by expert panel. Criteria: ClinGen MyeloMalig ACMG Specifications v2. Collection method: curation. Allele origin: germline. Inheritance: Autosomal dominant inheritance.
Comment: NM_001754.5(RUNX1):c.1083C>G (p.Thr361=) is a synonymous variant which has a SpliceAI score ≤ 0.20 (0) (BP4). This variant has a SpliceAI score ≤ 0.20 (0) and evolutionary conservation algorithms predict the site as not being conserved (PhyloP score ≤ 2.0 (0.9)) (BP7). This variant is completely absent from all population databases with at least 20x coverage for RUNX1 (PM2_supporting). In summary, this variant meets criteria to be classified as likely benign. ACMG/AMP criteria applied, as specified by the Myeloid Malignancy Variant Curation Expert Panel for RUNX1: BP4, BP7, PM2_supporting.

Ambry Genetics
Classification: Likely benign for Inborn genetic diseases. Last evaluated: 2025-02-15. Review status: criteria provided, single submitter. Criteria: Ambry Variant Classification Scheme 2023. Collection method: clinical testing. Allele origin: germline. Not counted in ClinVar's aggregate classification.

Labcorp Genetics (formerly Invitae), Labcorp
Classification: Likely benign for Hereditary thrombocytopenia and hematological cancer predisposition syndrome associated with RUNX1. Last evaluated: 2020-12-07. Review status: criteria provided, single submitter. Criteria: Invitae Variant Classification Sherloc (09022015). Collection method: clinical testing. Allele origin: germline. Not counted in ClinVar's aggregate classification.

NM_001754.5(RUNX1):c.1083C>G (p.Thr361=)

Gene: RUNX1 (RUNX family transcription factor 1; minus strand). Cytogenetic location: 21q22.12.
Variant type: single nucleotide variant.
Coding change: c.1083C>G on transcript NM_001754.5 (MANE Select); coding-DNA position 1083, C replaced by G.
Protein change: p.Thr361=; no amino-acid change (threonine 361 retained).
Molecular consequence: synonymous variant.
Genome position (GRCh38, 1-based): chr21:34,792,495, G>C on the plus strand (C>G on the coding strand, the complement: RUNX1 is on the minus strand). VCF-style: chr21-34792495-G-C. GRCh37 (hg19) VCF-style: chr21-36164792-G-C.
Other names: NM_001754.5(RUNX1):c.1083C>G; p.Thr361=; c.1083C>G (NM_001754.4); c.1002C>G, p.Thr334= (NM_001001890.3).
Identifiers: ClinVar variation 1674831 (VCV001674831.10), dbSNP rs1177939138, ClinGen allele CA512341317.